The following is an entry in ClinVar:

ClinVar aggregate classification (germline): Uncertain significance (1 of 4 stars; one submission).

gnomAD v4.1: 1 of 1,614,034 alleles (0.000062%); no homozygotes.

Submission:

Labcorp Genetics (formerly Invitae), Labcorp
Classification: Uncertain significance. Last evaluated: 2025-05-13. Review status: criteria provided, single submitter. Criteria: Invitae Variant Classification Sherloc (09022015). Collection method: clinical testing. Allele origin: germline.
Comment: This sequence change replaces valine, which is neutral and non-polar, with methionine, which is neutral and non-polar, at codon 78 of the ACAN protein (p.Val78Met). This variant is not present in population databases (gnomAD no frequency). This variant has not been reported in the literature in individuals affected with ACAN-related conditions. Invitae Evidence Modeling of protein sequence and biophysical properties (such as structural, functional, and spatial information, amino acid conservation, physicochemical variation, residue mobility, and thermodynamic stability) indicates that this missense variant is not expected to disrupt ACAN protein function with a negative predictive value of 80%. In summary, the available evidence is currently insufficient to determine the role of this variant in disease. Therefore, it has been classified as a Variant of Uncertain Significance.

NM_001369268.1(ACAN):c.232G>A (p.Val78Met)

Gene: ACAN (aggrecan; plus strand). Cytogenetic location: 15q26.1.
Variant type: single nucleotide variant.
Coding change: c.232G>A on transcript NM_001369268.1 (MANE Select); coding-DNA position 232, G replaced by A.
Protein change: p.Val78Met; replaces valine 78 with methionine.
Molecular consequence: missense variant.
Genome position (GRCh38, 1-based): chr15:88,838,824, G>A. VCF-style: chr15-88838824-G-A. GRCh37 (hg19) VCF-style: chr15-89382055-G-A.
Other names: c.232G>A, p.Val78Met (NM_001135.4, NM_001411096.1, NM_001411097.1 and 1 more transcripts); short protein forms V78M.
Identifiers: ClinVar variation 4751151 (VCV004751151.1).